The following is an entry in ClinVar:

NM_000179.3(MSH6):c.352A>C (p.Thr118Pro)

Gene: MSH6 (mutS homolog 6; plus strand). Cytogenetic location: 2p16.3.
Variant type: single nucleotide variant.
Coding change: c.352A>C on transcript NM_000179.3 (MANE Select); coding-DNA position 352, A replaced by C.
Protein change: p.Thr118Pro; replaces threonine 118 with proline.
Molecular consequence: missense variant. On other transcripts: intron variant (6), 5 prime UTR variant (7), non-coding transcript variant (5).
Genome position (GRCh38, 1-based): chr2:47,791,018, A>C. VCF-style: chr2-47791018-A-C. GRCh37 (hg19) VCF-style: chr2-48018157-A-C.
Other names: c.-68-4876A>C (NM_001406806.1, NM_001406799.1); c.-279-7593A>C (NM_001406815.1); c.-385A>C (NM_001281493.2, NM_001406811.1, NM_001406823.1 and 1 more transcripts); c.-551A>C (NM_001281494.2); c.448A>C, p.Thr150Pro (NM_001406795.1, NM_001406802.1); c.352A>C, p.Thr118Pro (NM_001406796.1, NM_001406798.1, NM_001406800.1 and 6 more transcripts); c.55A>C, p.Thr19Pro (NM_001406797.1, NM_001406801.1, NM_001406805.1 and 10 more transcripts); c.274A>C, p.Thr92Pro (NM_001406804.1); and 6 more; short protein forms T118P, T150P, T19P, T62P, T92P.
Identifiers: ClinVar variation 4800182 (VCV004800182.1).

ClinVar aggregate classification (germline): Uncertain significance (1 of 4 stars; one submission).

Conditions:
Hereditary nonpolyposis colorectal neoplasms. Identifiers: MedGen C0009405, MeSH D003123.

Submission:

Labcorp Genetics (formerly Invitae), Labcorp
Classification: Uncertain significance for Hereditary nonpolyposis colorectal neoplasms. Last evaluated: 2025-07-13. Review status: criteria provided, single submitter. Criteria: Invitae Variant Classification Sherloc (09022015). Collection method: clinical testing. Allele origin: germline.
Comment: This sequence change replaces threonine, which is neutral and polar, with proline, which is neutral and non-polar, at codon 118 of the MSH6 protein (p.Thr118Pro). This variant is not present in population databases (gnomAD no frequency). This variant has not been reported in the literature in individuals affected with MSH6-related conditions. Invitae Evidence Modeling of protein sequence and biophysical properties (such as structural, functional, and spatial information, amino acid conservation, physicochemical variation, residue mobility, and thermodynamic stability) indicates that this missense variant is not expected to disrupt MSH6 protein function with a negative predictive value of 95%. In summary, the available evidence is currently insufficient to determine the role of this variant in disease. Therefore, it has been classified as a Variant of Uncertain Significance.